The following is an entry in ClinVar:

ClinVar aggregate classification (germline): Likely pathogenic (1 of 4 stars; one submission).

Conditions:
Cardiovascular phenotype. Identifiers: MedGen CN230736.

Submission:

Ambry Genetics
Classification: Likely pathogenic for Cardiovascular phenotype. Last evaluated: 2022-07-06. Review status: criteria provided, single submitter. Criteria: Ambry Variant Classification Scheme 2023. Collection method: clinical testing. Allele origin: germline.
Comment: The c.41667dupT variant, located in coding exon 151 of the TTN gene, results from a duplication of T at nucleotide position 41667, causing a translational frameshift with a predicted alternate stop codon (p.G13890Wfs*5). This exon is located in the A-band region of the N2-B isoform of the titin protein and is constitutively expressed in TTN transcripts (percent spliced in or PSI 100%). This alteration is expected to result in loss of function by premature protein truncation or nonsense-mediated mRNA decay. While truncating variants in TTN are present in 1-3% of the general population, truncating variants in the A-band are the most common cause of dilated cardiomyopathy (DCM) (Herman DS et al. N. Engl. J. Med., 2012 Feb;366:619-28; Roberts AM et al. Sci Transl Med, 2015 Jan;7:270ra6). TTN truncating variants encoded in constitutive exons (PSI >90%) have been found to be significantly associated with DCM regardless of their position in titin (Schafer S et al. Nat. Genet., 2017 01;49:46-53). Additionally, this variant is considered to be rare based on population cohorts in the Genome Aggregation Database (gnomAD). As such, this alteration is classified as likely pathogenic.

NM_001267550.2(TTN):c.68862dup (p.Gly22955fs)

Genes: TTN (titin; minus strand), TTN-AS1 (TTN antisense RNA 1; plus strand). Cytogenetic location: 2q31.2.
Variant type: Duplication.
Coding change: c.68862dup on transcript NM_001267550.2 (MANE Select); coding-DNA position 68862, one base duplicated (T; older notation c.68862dupT).
Protein change: p.Gly22955fs; shifts the reading frame from glycine 22955.
Molecular consequence: frameshift variant.
Genome position (GRCh38, 1-based): chr2:178,577,473, A duplicated on the plus strand (T on the coding strand, the reverse complement: TTN is on the minus strand). VCF-style (leftmost placement, unchanged base first): chr2-178577472-C-CA. GRCh37 (hg19) VCF-style: chr2-179442199-C-CA.
Other names: c.63939dup, p.Gly21314fs (NM_001256850.1); c.41667dup, p.Gly13890fs (NM_003319.4); c.61158dup, p.Gly20387fs (NM_133378.4); c.42042dup, p.Gly14015fs (NM_133432.3); c.42243dup, p.Gly14082fs (NM_133437.4); c.41667dupT (NM_003319.4); short protein forms G14015fs, G20387fs, G22955fs, G13890fs, G14082fs, G21314fs.
Identifiers: ClinVar variation 1738371 (VCV001738371.2), dbSNP rs2468781847, ClinGen allele CA2580064949.